The following is an entry in ClinVar:

ClinVar aggregate classification (germline): Likely benign. Review status: criteria provided, multiple submitters, no conflicts (2 of 4 stars). 3 submissions from 3 submitters: Likely benign (3). Last evaluated 2026-07-01.

Conditions:
Seizures, benign familial infantile, 3 (BFIS3). Also called: Familial neonatal seizures; CONVULSIONS, BENIGN FAMILIAL INFANTILE, 3. Identifiers: Orphanet 140927, Orphanet 306, MedGen C1843140, MONDO:0011904, OMIM 607745.
Developmental and epileptic encephalopathy, 11 (DEE11). Also called: Early infantile epileptic encephalopathy 11. Identifiers: Orphanet 1934, MedGen C3150987, MONDO:0013388, OMIM 613721.

Allele frequency attached by ClinVar (database versions not stated): gnomAD exomes 0.00002 and 0.00006; gnomAD 0.00006; ExAC 0.00007; TOPMed 0.00009.

Submissions (3):

CeGaT Center for Human Genetics Tuebingen
Classification: Likely benign. Last evaluated: 2026-07-01. Review status: criteria provided, single submitter. Criteria: CeGaT Center For Human Genetics Tuebingen Variant Classification Criteria Version 2. Collection method: clinical testing. Allele origin: germline. Affected: yes. Observed: 3 variant alleles.
Comment: SCN2A: BP4

Labcorp Genetics (formerly Invitae), Labcorp
Classification: Likely benign for Seizures, benign familial infantile, 3; Developmental and epileptic encephalopathy, 11. Last evaluated: 2025-01-12. Review status: criteria provided, single submitter. Criteria: Invitae Variant Classification Sherloc (09022015). Collection method: clinical testing. Allele origin: germline.

GeneDx
Classification: Likely benign. Last evaluated: 2016-03-01. Review status: criteria provided, single submitter. Criteria: GeneDx Variant Classification (06012015). Collection method: clinical testing. Allele origin: germline. Affected: yes.
Comment: This variant is considered likely benign or benign based on one or more of the following criteria: it is a conservative change, it occurs at a poorly conserved position in the protein, it is predicted to be benign by multiple in silico algorithms, and/or has population frequency not consistent with disease.

NM_001040142.2(SCN2A):c.3015T>C (p.Ile1005=)

Gene: SCN2A (sodium voltage-gated channel alpha subunit 2; plus strand). Cytogenetic location: 2q24.3.
Variant type: single nucleotide variant.
Coding change: c.3015T>C on transcript NM_001040142.2 (MANE Select); coding-DNA position 3015, T replaced by C.
Protein change: p.Ile1005=; no amino-acid change (isoleucine 1005 retained).
Molecular consequence: synonymous variant.
Genome position (GRCh38, 1-based): chr2:165,354,287, T>C. VCF-style: chr2-165354287-T-C. GRCh37 (hg19) VCF-style: chr2-166210797-T-C.
Other names: c.3015T>C, p.Ile1005= (NM_001040143.2, NM_001371246.1, NM_001371247.1 and 1 more transcripts).
Identifiers: ClinVar variation 383880 (VCV000383880.50), dbSNP rs758652224, ClinGen allele CA1940048.
Genomic context (GRCh38, chr2:165,354,287, plus strand): 5'-CTTCAGTTCTGACAATCTTGCTGCCACTGATGATGATAACGAAATGAATAATCTCCAGAT[T>C]GCTGTGGGAAGGATGCAGAAAGGAATCGATTTTGTTAAAAGAAAAATACGTGAATTTATT-3'
Protein context (NP_001035232.1, residues 995-1015): DDDNEMNNLQ[Ile1005=]AVGRMQKGID